The following is an entry in ClinVar:

NC_000008.10:g.(?_100182257)_(100479872_?)del

Gene: VPS13B (vacuolar protein sorting 13 homolog B; plus strand). Cytogenetic location: 8q22.2.
Variant type: Deletion.
Identifiers: ClinVar variation 1070729 (VCV001070729.7).

ClinVar aggregate classification (germline): Pathogenic (1 of 4 stars; one submission).

Conditions:
Cohen syndrome (COH1). Also called: PEPPER SYNDROME; Cutis verticis gyrata, retinitis pigmentosa, and sensorineural deafness. Identifiers: Orphanet 193, MedGen C0265223, MONDO:0008999, OMIM 216550.

Submission:

Labcorp Genetics (formerly Invitae), Labcorp
Classification: Pathogenic for Cohen syndrome. Last evaluated: 2021-06-13. Review status: criteria provided, single submitter. Criteria: Invitae Variant Classification Sherloc (09022015). Collection method: clinical testing. Allele origin: germline.
Comment: The region of the VPS13B gene that includes exon(s) 18-21 has been determined to be clinically significant (PMID: 16648375). Therefore, deletions that encompass that region are likely to disrupt protein function and cause disease. This variant has not been reported in the literature in individuals with VPS13B-related conditions. This variant is an in-frame deletion of the genomic region encompassing exon(s) 16-24 of the VPS13B gene. It preserves the integrity of the reading frame. For these reasons, this variant has been classified as Pathogenic.

Literature cited by the submitters: PubMed 16648375.